The following is an entry in ClinVar:

NM_000368.5(TSC1):c.2105_2110del (p.Leu702_Leu703del)

Gene: TSC1 (TSC complex subunit 1; minus strand). Cytogenetic location: 9q34.13.
Variant type: Deletion.
Coding change: c.2105_2110del on transcript NM_000368.5 (MANE Select); coding-DNA positions 2105 to 2110, 6 bases deleted (TACTCT; older notation c.2105_2110delTACTCT).
Protein change: p.Leu702_Leu703del.
Molecular consequence: inframe deletion. On other transcripts: non-coding transcript variant (4), inframe indel (1).
Genome position (GRCh38, 1-based): chr9:132,903,749-132,903,754, AGAGTA deleted on the plus strand (TACTCT on the coding strand, the reverse complement: TSC1 is on the minus strand); deleting any 6 consecutive bases within chr9:132,903,749-132,903,755 gives the same sequence; the c. name uses the placement nearest the transcript's 3' end. VCF-style (leftmost placement, unchanged base first): chr9-132903748-TAGAGTA-T. GRCh37 (hg19) VCF-style: chr9-135779135-TAGAGTA-T.
Other names: c.2102_2107del, p.Leu701_Leu702del (NM_001162426.2, NM_001406597.1, NM_001406598.1 and 4 more transcripts); c.1952_1957del, p.Leu651_Leu652del (NM_001162427.2, NM_001406610.1); c.1742_1747del, p.Leu581_Leu582del (NM_001362177.2, NM_001406614.1, NM_001406615.1 and 5 more transcripts); c.2105_2110del, p.Leu702_Leu703del (NM_001406592.1, NM_001406593.1, NM_001406594.1 and 5 more transcripts); c.2090_2095del, p.Leu697_Leu698del (NM_001406601.1, NM_001406602.1); c.2087_2092del, p.Leu696_Leu697del (NM_001406603.1, NM_001406604.1); c.1949_1954del, p.Leu650_Leu651del (NM_001406611.1, NM_001406612.1, NM_001406613.1); c.1739_1744del, p.Leu580_Leu581del (NM_001406620.1, NM_001406621.1, NM_001406622.1 and 2 more transcripts); and 4 more.
Identifiers: ClinVar variation 4554545 (VCV004554545.1).

ClinVar aggregate classification (germline): Uncertain significance (1 of 4 stars; one submission).

Conditions:
Hereditary cancer-predisposing syndrome. Also called: Tumor predisposition; Hereditary Cancer Syndrome; Hereditary neoplastic syndrome; Neoplastic Syndromes, Hereditary. Identifiers: Orphanet 140162, MedGen C0027672, MeSH D009386, MONDO:0015356.

Submission:

Ambry Genetics
Classification: Uncertain significance for Hereditary cancer-predisposing syndrome. Last evaluated: 2025-12-04. Review status: criteria provided, single submitter. Criteria: Ambry Variant Classification Scheme 2023. Collection method: clinical testing. Allele origin: germline.
Comment: The c.2105_2110delTACTCT variant (also known as p.L702_L703del) is located in coding exon 15 of the TSC1 gene. This variant results from an in-frame TACTCT deletion at nucleotide positions 2105 to 2110. This results in the in-frame deletion of two amino acids (LL) at codons 702 and 703. These amino acid positions are well conserved in available vertebrate species. In addition, this variant is predicted to be deleterious by in silico analysis (Choi Y et al. PLoS ONE. 2012; 7(10):e46688). Based on the available evidence, the clinical significance of this variant remains unclear.